The following is an entry in ClinVar:

ClinVar aggregate classification (germline): Likely benign (1 of 4 stars; one submission).

Allele frequency attached by ClinVar (database versions not stated): 1000 Genomes Project 0.00060; 1000 Genomes Project 30x 0.00078; TOPMed 0.00271; gnomAD 0.00316.
gnomAD v4.1: 476 of 152,304 alleles (0.31%); highest among the groups gnomAD compares: Non-Finnish European, 0.61%; 1 homozygote.

Submission:

CeGaT Center for Human Genetics Tuebingen
Classification: Likely benign. Last evaluated: 2024-03-01. Review status: criteria provided, single submitter. Criteria: CeGaT Center For Human Genetics Tuebingen Variant Classification Criteria Version 2. Collection method: clinical testing. Allele origin: germline. Affected: yes. Observed: 8 variant alleles.
Comment: RAF1: BS1

NM_002880.4(RAF1):c.835-505C>G

Gene: RAF1 (Raf-1 proto-oncogene, serine/threonine kinase; minus strand). Cytogenetic location: 3p25.2.
Variant type: single nucleotide variant.
Coding change: c.835-505C>G on transcript NM_002880.4 (MANE Select); 505 bases into the intron before coding-DNA position 835, C replaced by G.
Molecular consequence: intron variant.
Genome position (GRCh38, 1-based): chr3:12,600,920, G>C on the plus strand (C>G on the coding strand, the complement: RAF1 is on the minus strand). VCF-style: chr3-12600920-G-C. GRCh37 (hg19) VCF-style: chr3-12642419-G-C.
Other names: c.493-505C>G (NM_001354695.3); c.592-505C>G (NM_001354692.3, NM_001354691.3); c.652-505C>G (NM_001354694.3); c.736-505C>G (NM_001354693.3); c.895-505C>G (NM_001354689.3); c.835-505C>G (NM_001354690.3).
Identifiers: ClinVar variation 2653543 (VCV002653543.24), dbSNP rs189674974, ClinGen allele CA69617405.
Genomic context (GRCh38, chr3:12,600,920, plus strand): 5'-CCTGGTATTAGTTTTTCATATATAATGAAAACCACATTCTTTTTCTCAAAAGAAAGCAAT[G>C]TACACAACAAACATACTCTTTCAAGGGAAGCTAGCAAAGTTACTCTCAGCTGAGACCCTT-3'